The following is an entry in ClinVar:

NM_001367823.1(ARHGEF18):c.1958G>A (p.Arg653His)

Gene: ARHGEF18 (Rho/Rac guanine nucleotide exchange factor 18; plus strand). Cytogenetic location: 19p13.2.
Variant type: single nucleotide variant.
Coding change: c.1958G>A on transcript NM_001367823.1 (MANE Select); coding-DNA position 1958, G replaced by A.
Protein change: p.Arg653His; replaces arginine 653 with histidine.
Molecular consequence: missense variant.
Genome position (GRCh38, 1-based): chr19:7,453,569, G>A. VCF-style: chr19-7453569-G-A. GRCh37 (hg19) VCF-style: chr19-7518455-G-A.
Other names: c.1232G>A, p.Arg411His (NM_001130955.2); c.920G>A, p.Arg307His (NM_001367824.1, NM_015318.4); short protein forms R653H, R307H, R411H.
Identifiers: ClinVar variation 1507279 (VCV001507279.8), dbSNP rs760640146, ClinGen allele CA9136684.

ClinVar aggregate classification (germline): Uncertain significance (1 of 4 stars; one submission).

Allele frequency attached by ClinVar (database versions not stated): ExAC 0.00001; gnomAD exomes 0.00001 and 0.00002; TOPMed 0.00001.
gnomAD v4.1: 15 of 1,614,018 alleles (0.00093%); highest among the groups gnomAD compares: South Asian, 0.0077%; no homozygotes.

Submission:

Labcorp Genetics (formerly Invitae), Labcorp
Classification: Uncertain significance. Last evaluated: 2022-10-05. Review status: criteria provided, single submitter. Criteria: Invitae Variant Classification Sherloc (09022015). Collection method: clinical testing. Allele origin: germline.
Comment: In summary, the available evidence is currently insufficient to determine the role of this variant in disease. Therefore, it has been classified as a Variant of Uncertain Significance. Algorithms developed to predict the effect of missense changes on protein structure and function (SIFT, PolyPhen-2, Align-GVGD) all suggest that this variant is likely to be disruptive. ClinVar contains an entry for this variant (Variation ID: 1507279). This variant has not been reported in the literature in individuals affected with ARHGEF18-related conditions. This variant is present in population databases (rs760640146, gnomAD 0.01%). This sequence change replaces arginine, which is basic and polar, with histidine, which is basic and polar, at codon 465 of the ARHGEF18 protein (p.Arg465His).